The following is an entry in ClinVar:

NM_033380.3(COL4A5):c.447del (p.Ile151fs)

Gene: COL4A5 (collagen type IV alpha 5 chain; plus strand). Cytogenetic location: Xq22.3.
Variant type: Deletion.
Coding change: c.447del on transcript NM_033380.3 (MANE Select); coding-DNA position 447, one base deleted (T; older notation c.447delT).
Protein change: p.Ile151fs; shifts the reading frame from isoleucine 151.
Molecular consequence: frameshift variant.
Genome position (GRCh38, 1-based): chrX:108,571,819, T deleted. VCF-style (leftmost placement, unchanged base first): chrX-108571818-CT-C. GRCh37 (hg19) VCF-style: chrX-107815048-CT-C.
Other names: c.447del, p.Ile151fs (NM_000495.5); short protein forms I151fs.
Identifiers: ClinVar variation 4534881 (VCV004534881.6).

ClinVar aggregate classification (germline): Pathogenic (1 of 4 stars; one submission).

Submission:

CeGaT Center for Human Genetics Tuebingen
Classification: Pathogenic. Last evaluated: 2025-11-01. Review status: criteria provided, single submitter. Criteria: CeGaT Center For Human Genetics Tuebingen Variant Classification Criteria Version 2. Collection method: clinical testing. Allele origin: germline. Affected: yes. Observed: 2 variant alleles.
Comment: COL4A5: PVS1, PM2